The following is an entry in ClinVar:

NM_170707.4(LMNA):c.1225A>C (p.Thr409Pro)

Gene: LMNA (lamin A/C; plus strand). Cytogenetic location: 1q22.
Variant type: single nucleotide variant.
Coding change: c.1225A>C on transcript NM_170707.4 (MANE Select); coding-DNA position 1225, A replaced by C.
Protein change: p.Thr409Pro; replaces threonine 409 with proline.
Molecular consequence: missense variant.
Genome position (GRCh38, 1-based): chr1:156,136,281, A>C. VCF-style: chr1-156136281-A-C. GRCh37 (hg19) VCF-style: chr1-156106072-A-C.
Other names: c.889A>C, p.Thr297Pro (NM_001257374.3, NM_001406998.1, NM_001406989.1); c.982A>C, p.Thr328Pro (NM_001282624.2, NM_001406986.1, NM_001406987.1); c.1225A>C, p.Thr409Pro (NM_001282625.2, NM_001282626.2, NM_001406992.1 and 6 more transcripts); c.667A>C, p.Thr223Pro (NM_001406993.1, NM_001406995.1, NM_001406996.1 and 4 more transcripts); c.601A>C, p.Thr201Pro (NM_001406994.1, NM_001406999.1, NM_001407000.1 and 1 more transcripts); c.928A>C, p.Thr310Pro (NM_001406988.1); short protein forms T201P, T409P, T310P, T328P, T223P, T297P.
Identifiers: ClinVar variation 2848126 (VCV002848126.3), dbSNP rs2527997315, ClinGen allele CA342821226.

ClinVar aggregate classification (germline): Uncertain significance (1 of 4 stars; one submission).

Conditions:
Charcot-Marie-Tooth disease type 2. Also called: Charcot-Marie-Tooth type 2. Identifiers: Orphanet 64746, MedGen C0270914, MONDO:0018993.

Submission:

Labcorp Genetics (formerly Invitae), Labcorp
Classification: Uncertain significance for Charcot-Marie-Tooth disease type 2. Last evaluated: 2023-03-21. Review status: criteria provided, single submitter. Criteria: Invitae Variant Classification Sherloc (09022015). Collection method: clinical testing. Allele origin: germline.
Comment: In summary, the available evidence is currently insufficient to determine the role of this variant in disease. Therefore, it has been classified as a Variant of Uncertain Significance. Advanced modeling of protein sequence and biophysical properties (such as structural, functional, and spatial information, amino acid conservation, physicochemical variation, residue mobility, and thermodynamic stability) has been performed at Invitae for this missense variant, however the output from this modeling did not meet the statistical confidence thresholds required to predict the impact of this variant on LMNA protein function. This variant has not been reported in the literature in individuals affected with LMNA-related conditions. This variant is not present in population databases (gnomAD no frequency). This sequence change replaces threonine, which is neutral and polar, with proline, which is neutral and non-polar, at codon 409 of the LMNA protein (p.Thr409Pro).